The following is an entry in ClinVar:

NM_015215.4(CAMTA1):c.3828C>A (p.Ser1276Arg)

Genes: CAMTA1 (calmodulin binding transcription activator 1; plus strand), LOC126805603 (CDK7 strongly-dependent group 2 enhancer GRCh37_chr1:7798026-7799225; plus strand). Cytogenetic location: 1p36.23.
Variant type: single nucleotide variant.
Coding change: c.3828C>A on transcript NM_015215.4 (MANE Select); coding-DNA position 3828, C replaced by A.
Protein change: p.Ser1276Arg; replaces serine 1276 with arginine.
Molecular consequence: missense variant. On other transcripts: intron variant (13).
Genome position (GRCh38, 1-based): chr1:7,738,128, C>A. VCF-style: chr1-7738128-C-A. GRCh37 (hg19) VCF-style: chr1-7798188-C-A.
Other names: c.3738C>A, p.Ser1246Arg (NM_001349608.2); c.957C>A, p.Ser319Arg (NM_001349613.1); c.900C>A, p.Ser300Arg (NM_001349614.1, NM_001349615.2, NM_001349616.2 and 2 more transcripts); c.3659-170C>A (NM_001349609.2, NM_001349610.2, NM_001410737.1); c.3587-170C>A (NM_001410738.1); c.3569-170C>A (NM_001349612.2); c.731-170C>A (NM_001349620.1, NM_001349621.1, NM_001349625.2 and 5 more transcripts); short protein forms S1246R, S1276R, S300R, S319R.
Identifiers: ClinVar variation 3344101 (VCV003344101.1).

ClinVar aggregate classification (germline): Uncertain significance (0 of 4 stars; one submission).

Conditions:
CAMTA1-related disorder. Also called: CAMTA1-related condition.

Submission:

PreventionGenetics, part of Exact Sciences
Classification: Uncertain significance for CAMTA1-related condition. Last evaluated: 2024-04-23. Review status: no assertion criteria provided. Collection method: clinical testing. Allele origin: germline.
Comment: The CAMTA1 c.3828C>A variant is predicted to result in the amino acid substitution p.Ser1276Arg. To our knowledge, this variant has not been reported in the literature or in a large population database, indicating this variant is rare. At this time, the clinical significance of this variant is uncertain due to the absence of conclusive functional and genetic evidence.